The following is an entry in ClinVar:

NM_025144.4(ALPK1):c.2159C>T (p.Ala720Val)

Gene: ALPK1 (alpha kinase 1; plus strand). Cytogenetic location: 4q25.
Variant type: single nucleotide variant.
Coding change: c.2159C>T on transcript NM_025144.4 (MANE Select); coding-DNA position 2159, C replaced by T.
Protein change: p.Ala720Val; replaces alanine 720 with valine.
Molecular consequence: missense variant.
Genome position (GRCh38, 1-based): chr4:112,431,706, C>T. VCF-style: chr4-112431706-C-T. GRCh37 (hg19) VCF-style: chr4-113352862-C-T.
Other names: c.2159C>T, p.Ala720Val (NM_001102406.2); c.1925C>T, p.Ala642Val (NM_001253884.2); short protein forms A642V, A720V.
Identifiers: ClinVar variation 1908125 (VCV001908125.5), dbSNP rs1400656955, ClinGen allele CA357896921.

ClinVar aggregate classification (germline): Uncertain significance (1 of 4 stars; one submission).

Allele frequency attached by ClinVar (database versions not stated): gnomAD exomes below 0.00001.
gnomAD v4.1: 1 of 1,614,240 alleles (0.000062%); highest among the groups gnomAD compares: South Asian, 0.0011%; no homozygotes.

Submission:

Labcorp Genetics (formerly Invitae), Labcorp
Classification: Uncertain significance. Last evaluated: 2022-08-23. Review status: criteria provided, single submitter. Criteria: Invitae Variant Classification Sherloc (09022015). Collection method: clinical testing. Allele origin: germline.
Comment: This variant is present in population databases (no rsID available, gnomAD 0.006%). This sequence change replaces alanine, which is neutral and non-polar, with valine, which is neutral and non-polar, at codon 720 of the ALPK1 protein (p.Ala720Val). This variant has not been reported in the literature in individuals affected with ALPK1-related conditions. In summary, the available evidence is currently insufficient to determine the role of this variant in disease. Therefore, it has been classified as a Variant of Uncertain Significance. Algorithms developed to predict the effect of missense changes on protein structure and function output the following: SIFT: "Tolerated"; PolyPhen-2: "Benign"; Align-GVGD: "Class C0". The valine amino acid residue is found in multiple mammalian species, which suggests that this missense change does not adversely affect protein function.